The following is an entry in ClinVar:

Single allele

Genes: DTNA (dystrobrevin alpha; plus strand), MIR187 (microRNA 187; minus strand), MOCOS (molybdenum cofactor sulfurase; plus strand), COSMOC (cell fate and sterol metabolism associated divergent transcript of MOCOS; minus strand), DSC1 (desmocollin 1; minus strand) and 152 more. Cytogenetic location: 18q12.1-12.2.
Variant type: Deletion.
Identifiers: ClinVar variation 4819214 (VCV004819214.1).

ClinVar aggregate classification (germline): Pathogenic (1 of 4 stars; one submission).

Conditions:
Deletion of long arm of chromosome 18. Also called: Chromosome 18 deletion syndrome; 18q syndrome; Chromosome 18q syndrome; Chromosome 18, monosomy 18Q; Monosomy 18q syndrome; Monosomy 18q, deletion 18q. Identifiers: Orphanet 1600, MedGen C0432443, MONDO:0011147, OMIM 601808.

Submission:

Broad Center for Mendelian Genomics, Broad Institute of MIT and Harvard
Classification: Pathogenic for Deletion of long arm of chromosome 18. Last evaluated: 2023-05-01. Review status: criteria provided, single submitter. Criteria: ACMG/ClinGen CNV Guidelines, 2019. Collection method: research. Allele origin: germline. Inheritance: Autosomal dominant inheritance. Affected: yes.
Comment: A confirmed de novo heterozygous deletion of 18q12.1-q12.2. These breakpoints have been called by exome sequencing only and therefore may not reflect the true breakpoints. The patient phenotype is nonspecific, but is consistent with cases described in the literature and/or published databases with overlapping variants. There is complete overlap with the ASXL3 gene which is known to be haploinsufficient and has been assessed by the ClinGen Dosage Sensitivity Working Group. Data from large population studies are insufficient to assess the frequency of this variant. In summary, this variant meets criteria to be classified as pathogenic for chromosome 18q deletion syndrome. The ACMG/ClinGen evidence codes and points used in this curation are as follows: 1: 0 points, 2: 1 points, 3: 0.45 points, 4-5: 0.15 points; Total: 1.6 points; Riggs 2020 (PMID: 31690835).